The following is an entry in ClinVar:

ClinVar aggregate classification (germline): Pathogenic. Review status: reviewed by expert panel (3 of 4 stars). 6 submissions from 6 submitters: Pathogenic (1). 5 of the submissions do not count toward it. Last evaluated 2016-09-08.

Conditions:
Breast-ovarian cancer, familial, susceptibility to, 1 (BROVCA1). Also called: BRCA1 Hereditary Breast and Ovarian Cancer; OVARIAN CANCER, SUSCEPTIBILITY TO. Identifiers: Orphanet 145, MedGen C2676676, MONDO:0011450, OMIM 604370. Disease mechanism: loss of function.
Hereditary breast ovarian cancer syndrome. Also called: Hereditary breast and/or ovarian cancer syndrome; Hereditary breast and ovarian cancer syndrome; Hereditary breast and ovarian cancer; Hereditary breast and ovarian cancer syndrome (HBOC); Breast and ovarian cancer; BRCA1- and BRCA2-Associated Hereditary Breast and Ovarian Cancer. Identifiers: Orphanet 145, MedGen C0677776, MeSH D061325, MONDO:0003582. Disease mechanism: loss of function.
Hereditary cancer-predisposing syndrome. Also called: Hereditary Cancer Syndrome; Neoplastic Syndromes, Hereditary; Hereditary neoplastic syndrome; Tumor predisposition. Identifiers: Orphanet 140162, MedGen C0027672, MeSH D009386, MONDO:0015356.

Submissions (6):

Evidence-based Network for the Interpretation of Germline Mutant Alleles (ENIGMA)
Classification: Pathogenic for Breast-ovarian cancer, familial, susceptibility to, 1. Last evaluated: 2016-09-08. Review status: reviewed by expert panel. Criteria: ENIGMA BRCA1/2 Classification Criteria (2015). Collection method: curation. Allele origin: germline.
Comment: Variant allele predicted to encode a truncated non-functional protein.

Labcorp Genetics (formerly Invitae), Labcorp
Classification: Pathogenic for Hereditary breast ovarian cancer syndrome. Last evaluated: 2025-05-28. Review status: criteria provided, single submitter. Criteria: Invitae Variant Classification Sherloc (09022015). Collection method: clinical testing. Allele origin: germline. Not counted in ClinVar's aggregate classification.
Comment: This sequence change creates a premature translational stop signal (p.Glu1358*) in the BRCA1 gene. It is expected to result in an absent or disrupted protein product. Loss-of-function variants in BRCA1 are known to be pathogenic (PMID: 20104584). This variant is not present in population databases (gnomAD no frequency). This premature translational stop signal has been observed in individual(s) with a personal and/or family history of breast and ovarian cancer (PMID: 29446198). ClinVar contains an entry for this variant (Variation ID: 96924). Algorithms developed to predict the effect of sequence changes on RNA splicing suggest that this variant may disrupt the consensus splice site. For these reasons, this variant has been classified as Pathogenic.

Ambry Genetics
Classification: Pathogenic for Hereditary cancer-predisposing syndrome. Last evaluated: 2025-04-24. Review status: criteria provided, single submitter. Criteria: Ambry Variant Classification Scheme 2023. Collection method: clinical testing. Allele origin: germline. Not counted in ClinVar's aggregate classification.
Comment: The p.E1358* pathogenic mutation (also known as c.4072G>T), located in coding exon 9 of the BRCA1 gene, results from a G to T substitution at nucleotide position 4072. This changes the amino acid from a glutamic acid to a stop codon within coding exon 9. This variant is considered to be rare based on population cohorts in the Genome Aggregation Database (gnomAD). This alteration is expected to result in loss of function by premature protein truncation or nonsense-mediated mRNA decay. As such, this alteration is interpreted as a disease-causing mutation.

Consortium of Investigators of Modifiers of BRCA1/2 (CIMBA), c/o University of Cambridge
Classification: Pathogenic for Breast-ovarian cancer, familial, susceptibility to, 1. Last evaluated: 2015-10-02. Review status: criteria provided, single submitter. Criteria: CIMBA Mutation Classification guidelines May 2016. Collection method: clinical testing. Allele origin: germline. Not counted in ClinVar's aggregate classification.

Research Molecular Genetics Laboratory, Women's College Hospital, University of Toronto
Classification: Pathogenic for Hereditary breast ovarian cancer syndrome. Last evaluated: 2014-01-31. Review status: no assertion criteria provided. Collection method: research. Allele origin: germline. Affected: yes. Study: The Canadian Open Genetics Repository (COGR). Not counted in ClinVar's aggregate classification.

Sharing Clinical Reports Project (SCRP)
Classification: Pathogenic for Breast-ovarian cancer, familial 1. Last evaluated: 2010-02-09. Review status: no assertion criteria provided. Collection method: clinical testing. Allele origin: germline. Not counted in ClinVar's aggregate classification.

Literature cited by the submitters: PubMed 20104584 (cited by Labcorp Genetics (formerly Invitae), Labcorp); PubMed 29446198 (cited by Labcorp Genetics (formerly Invitae), Labcorp).

NM_007294.4(BRCA1):c.4072G>T (p.Glu1358Ter)

Genes: BRCA1 (BRCA1 DNA repair associated; minus strand), LOC126862571 (BRD4-independent group 4 enhancer GRCh37_chr17:41243136-41244335; plus strand). Cytogenetic location: 17q21.31.
Variant type: single nucleotide variant.
Coding change: c.4072G>T on transcript NM_007294.4 (MANE Select); coding-DNA position 4072, G replaced by T.
Protein change: p.Glu1358Ter; replaces glutamic acid 1358 with a stop codon.
Molecular consequence: nonsense. On other transcripts: intron variant (135).
Genome position (GRCh38, 1-based): chr17:43,091,459, C>A on the plus strand (G>T on the coding strand, the complement: BRCA1 is on the minus strand). VCF-style: chr17-43091459-C-A. GRCh37 (hg19) VCF-style: chr17-41243476-C-A.
Other names: 4191G>T; c.3946G>T, p.Glu1316Ter (NM_001407670.1, NM_001407671.1, NM_001407672.1 and 11 more transcripts); c.3949G>T, p.Glu1317Ter (NM_001407674.1, NM_001407675.1, NM_001407676.1 and 19 more transcripts); c.4072G>T, p.Glu1358Ter (NM_001407684.1, NM_001407854.1, NM_001407858.1 and 30 more transcripts); c.3931G>T, p.Glu1311Ter (NM_001407692.1, NM_001407694.1, NM_001407695.1 and 29 more transcripts); c.3928G>T, p.Glu1310Ter (NM_001407740.1, NM_001407741.1, NM_001407742.1 and 20 more transcripts); c.3859G>T, p.Glu1287Ter (NM_001407853.1, NM_001407894.1, NM_001407895.1 and 9 more transcripts); c.4069G>T, p.Glu1357Ter (NM_001407860.1, NM_001407861.1, NM_001407587.1 and 22 more transcripts); and 42 more; short protein forms E1358*, E1311*, E1310*, E1190*, E1230*, E1246*, E1288*, E1290*.
Identifiers: ClinVar variation 96924 (VCV000096924.17), dbSNP rs397509136, ClinGen allele CA002602.